The following is an entry in ClinVar:

ClinVar aggregate classification (germline): Likely benign (1 of 4 stars; one submission).

Submission:

CeGaT Center for Human Genetics Tuebingen
Classification: Likely benign. Last evaluated: 2025-02-01. Review status: criteria provided, single submitter. Criteria: CeGaT Center For Human Genetics Tuebingen Variant Classification Criteria Version 2. Collection method: clinical testing. Allele origin: germline. Affected: yes. Observed: 1 variant allele.
Comment: CDC27: BP4, BP7

NM_001256.6(CDC27):c.174T>C (p.Tyr58=)

Gene: CDC27 (cell division cycle 27; minus strand). Cytogenetic location: 17q21.32.
Variant type: single nucleotide variant.
Coding change: c.174T>C on transcript NM_001256.6 (MANE Select); coding-DNA position 174, T replaced by C.
Protein change: p.Tyr58=; no amino-acid change (tyrosine 58 retained).
Molecular consequence: synonymous variant. On other transcripts: intron variant (4).
Genome position (GRCh38, 1-based): chr17:47,171,994, A>G on the plus strand (T>C on the coding strand, the complement: CDC27 is on the minus strand). VCF-style: chr17-47171994-A-G. GRCh37 (hg19) VCF-style: chr17-45249360-A-G.
Other names: c.174T>C, p.Tyr58= (NM_001114091.4, NM_001293089.3, NM_001353035.2 and 1 more transcripts); c.68+9568T>C (NM_001353050.2); c.-893+9568T>C (NM_001353051.2); c.69-1952T>C (NM_001353049.2, NM_001293091.3).
Identifiers: ClinVar variation 3770772 (VCV003770772.13).